The following is an entry in ClinVar:

ClinVar aggregate classification (germline): Uncertain significance (1 of 4 stars; one submission).

Submission:

GeneDx
Classification: Uncertain significance. Last evaluated: 2023-04-07. Review status: criteria provided, single submitter. Criteria: GeneDx Variant Classification Process June 2021. Collection method: clinical testing. Allele origin: germline. Affected: yes.
Comment: Not observed at significant frequency in large population cohorts (gnomAD); In silico analysis supports that this missense variant has a deleterious effect on protein structure/function; Has not been previously published as pathogenic or benign to our knowledge

NM_006015.6(ARID1A):c.1244A>T (p.His415Leu)

Gene: ARID1A (AT-rich interaction domain 1A; plus strand). Cytogenetic location: 1p36.11.
Variant type: single nucleotide variant.
Coding change: c.1244A>T on transcript NM_006015.6 (MANE Select); coding-DNA position 1244, A replaced by T.
Protein change: p.His415Leu; replaces histidine 415 with leucine.
Molecular consequence: missense variant.
Genome position (GRCh38, 1-based): chr1:26,729,757, A>T. VCF-style: chr1-26729757-A-T. GRCh37 (hg19) VCF-style: chr1-27056248-A-T.
Other names: c.1244A>T, p.His415Leu (NM_139135.4); short protein forms H415L.
Identifiers: ClinVar variation 3343017 (VCV003343017.1).